The following is an entry in ClinVar:

NM_001242896.3(DEPDC5):c.2857_2858del (p.Val953fs)

Gene: DEPDC5 (DEP domain containing 5, GATOR1 subcomplex subunit; plus strand). Cytogenetic location: 22q12.3.
Variant type: Microsatellite.
Coding change: c.2857_2858del on transcript NM_001242896.3 (MANE Select); coding-DNA positions 2857 to 2858, 2 bases deleted (GT; older notation c.2857_2858delGT).
Protein change: p.Val953fs; shifts the reading frame from valine 953.
Molecular consequence: frameshift variant. On other transcripts: non-coding transcript variant (5).
Genome position (GRCh38, 1-based): chr22:31,845,073-31,845,074, GT deleted; deleting any 2 consecutive bases within chr22:31,845,070-31,845,074 gives the same sequence; the c. name uses the placement nearest the transcript's 3' end. VCF-style (leftmost placement, unchanged base first): chr22-31845069-CTG-C. GRCh37 (hg19) VCF-style: chr22-32241055-CTG-C.
Other names: c.2830_2831del, p.Val944fs (NM_001136029.4, NM_001369903.1, NM_014662.6); c.2623_2624del, p.Val875fs (NM_001242897.2, NM_001363854.2, NM_001364319.2); c.2857_2858del, p.Val953fs (NM_001363852.2, NM_001364318.2, NM_001364320.2); c.2773_2774del, p.Val925fs (NM_001369901.1, NM_001369902.1); short protein forms V944fs, V953fs, V875fs, V925fs.
Identifiers: ClinVar variation 949453 (VCV000949453.7), dbSNP rs2091645809, ClinGen allele CA2401687134.

ClinVar aggregate classification (germline): Pathogenic (1 of 4 stars; one submission).

Conditions:
Familial focal epilepsy with variable foci (FPEVF). Identifiers: Orphanet 98820, MedGen C1858477, MONDO:0020310.

Submission:

Labcorp Genetics (formerly Invitae), Labcorp
Classification: Pathogenic for Familial focal epilepsy with variable foci. Last evaluated: 2019-04-28. Review status: criteria provided, single submitter. Criteria: Invitae Variant Classification Sherloc (09022015). Collection method: clinical testing. Allele origin: germline.
Comment: For these reasons, this variant has been classified as Pathogenic. Loss-of-function variants in DEPDC5 are known to be pathogenic (PMID: 23542697, 23542701). This variant has not been reported in the literature in individuals with DEPDC5-related conditions. This variant is not present in population databases (ExAC no frequency). This sequence change creates a premature translational stop signal (p.Val953Hisfs*207) in the DEPDC5 gene. It is expected to result in an absent or disrupted protein product.

Literature cited by the submitters: PubMed 23542697; PubMed 23542701.